The following is an entry in ClinVar:

NM_139027.6(ADAMTS13):c.420= (p.Ala140=)

Gene: ADAMTS13 (ADAM metallopeptidase with thrombospondin type 1 motif 13; plus strand). Cytogenetic location: 9q34.2.
Variant type: Variation.
Coding change: c.420= on transcript NM_139027.6 (MANE Select); coding-DNA position 420, no change from the reference sequence.
Protein change: p.Ala140=; no amino-acid change (alanine 140 retained).
Molecular consequence: no sequence alteration. On other transcripts: non-coding transcript variant (1).
Genome position: GRCh38 VCF-style: chr9-133425943-T-T. GRCh37 (hg19) VCF-style: chr9-136291063-C-T.
Other names: c.420=, p.Ala140= (NM_139025.5, NM_139026.6).
Identifiers: ClinVar variation 666612 (VCV000666612.15).

ClinVar aggregate classification (germline): Benign/Likely benign. Review status: criteria provided, multiple submitters, no conflicts (2 of 4 stars). 5 submissions from 5 submitters: Benign (4); Likely benign (1). Last evaluated 2026-02-04.

Submissions (5):

Labcorp Genetics (formerly Invitae), Labcorp
Classification: Benign. Last evaluated: 2026-02-04. Review status: criteria provided, single submitter. Criteria: Invitae Variant Classification Sherloc (09022015). Collection method: clinical testing. Allele origin: germline.

Blueprint Genetics
Classification: Likely benign. Last evaluated: 2024-11-27. Review status: criteria provided, single submitter. Criteria: ACMG Guidelines, 2015. Collection method: clinical testing. Allele origin: germline.

GeneDx
Classification: Benign. Last evaluated: 2018-11-10. Review status: criteria provided, single submitter. Criteria: GeneDx Variant Classification Process June 2021. Collection method: clinical testing. Allele origin: germline. Affected: yes.

Laboratory for Molecular Medicine, Mass General Brigham Personalized Medicine
Classification: Benign. Last evaluated: 2016-03-21. Review status: criteria provided, single submitter. Criteria: LMM Criteria. Collection method: clinical testing. Allele origin: germline. Observed: 1 variant allele.
Comment: p.Ala140Ala in exon 5 of ADAMTS13: This variant is not expected to have clinical significance because it does not alter an amino acid residue, is not located wi thin the splice consensus sequence, and has been identified in 84.49% (7285/8622 ) of East Asian chromosomes by the Exome Aggregation Consortium (ExAC; dbSNP rs3118667).

Breakthrough Genomics
Classification: Benign. Review status: criteria provided, single submitter. Criteria: ACMG Guidelines, 2015. Collection method: not provided. Allele origin: germline. Inheritance: Autosomal recessive inheritance. Affected: yes.